The following is an entry in ClinVar:

NM_004655.4(AXIN2):c.1983T>G (p.His661Gln)

Gene: AXIN2 (axin 2; minus strand). Cytogenetic location: 17q24.1.
Variant type: single nucleotide variant.
Coding change: c.1983T>G on transcript NM_004655.4 (MANE Select); coding-DNA position 1983, T replaced by G.
Protein change: p.His661Gln; replaces histidine 661 with glutamine.
Molecular consequence: missense variant.
Genome position (GRCh38, 1-based): chr17:65,536,478, A>C on the plus strand (T>G on the coding strand, the complement: AXIN2 is on the minus strand). VCF-style: chr17-65536478-A-C. GRCh37 (hg19) VCF-style: chr17-63532596-A-C.
Other names: c.1788T>G, p.His596Gln (NM_001363813.1); short protein forms H596Q, H661Q.
Identifiers: ClinVar variation 960414 (VCV000960414.10), dbSNP rs199724028, ClinGen allele CA400676208.

ClinVar aggregate classification (germline): Uncertain significance. Review status: criteria provided, multiple submitters, no conflicts (2 of 4 stars). 2 submissions from 2 submitters: Uncertain significance (2). Last evaluated 2026-05-06.

Conditions:
Hereditary cancer-predisposing syndrome. Also called: Hereditary Cancer Syndrome; Neoplastic Syndromes, Hereditary; Tumor predisposition; Hereditary neoplastic syndrome. Identifiers: Orphanet 140162, MedGen C0027672, MeSH D009386, MONDO:0015356.
Oligodontia-cancer predisposition syndrome. Also called: TOOTH AGENESIS-COLORECTAL CANCER SYNDROME. Identifiers: Orphanet 300576, MedGen C1837750, MONDO:0012075, OMIM 608615. Disease mechanism: loss of function.

Submissions (2):

Ambry Genetics
Classification: Uncertain significance for Hereditary cancer-predisposing syndrome. Last evaluated: 2026-05-06. Review status: criteria provided, single submitter. Criteria: Ambry Variant Classification Scheme 2023. Collection method: clinical testing. Allele origin: germline.
Comment: The p.H661Q variant (also known as c.1983T>G), located in coding exon 7 of the AXIN2 gene, results from a T to G substitution at nucleotide position 1983. The histidine at codon 661 is replaced by glutamine, an amino acid with highly similar properties. This amino acid position is well conserved in available vertebrate species. In addition, the in silico prediction for this alteration is inconclusive. Based on the available evidence, the clinical significance of this variant remains unclear.

Labcorp Genetics (formerly Invitae), Labcorp
Classification: Uncertain significance for Oligodontia-cancer predisposition syndrome. Last evaluated: 2023-06-11. Review status: criteria provided, single submitter. Criteria: Invitae Variant Classification Sherloc (09022015). Collection method: clinical testing. Allele origin: germline.
Comment: In summary, the available evidence is currently insufficient to determine the role of this variant in disease. Therefore, it has been classified as a Variant of Uncertain Significance. Advanced modeling of protein sequence and biophysical properties (such as structural, functional, and spatial information, amino acid conservation, physicochemical variation, residue mobility, and thermodynamic stability) performed at Invitae indicates that this missense variant is not expected to disrupt AXIN2 protein function. ClinVar contains an entry for this variant (Variation ID: 960414). This variant has not been reported in the literature in individuals affected with AXIN2-related conditions. This variant is not present in population databases (gnomAD no frequency). This sequence change replaces histidine, which is basic and polar, with glutamine, which is neutral and polar, at codon 661 of the AXIN2 protein (p.His661Gln).